The following is an entry in ClinVar:

NM_002691.4(POLD1):c.1621G>A (p.Val541Met)

Gene: POLD1 (DNA polymerase delta 1, catalytic subunit; plus strand). Cytogenetic location: 19q13.33.
Variant type: single nucleotide variant.
Coding change: c.1621G>A on transcript NM_002691.4 (MANE Select); coding-DNA position 1621, G replaced by A.
Protein change: p.Val541Met; replaces valine 541 with methionine.
Molecular consequence: missense variant. On other transcripts: non-coding transcript variant (1).
Genome position (GRCh38, 1-based): chr19:50,407,109, G>A. VCF-style: chr19-50407109-G-A. GRCh37 (hg19) VCF-style: chr19-50910366-G-A.
Other names: c.1621G>A, p.Val541Met (NM_001256849.1, NM_001308632.1); short protein forms V541M.
Identifiers: ClinVar variation 660847 (VCV000660847.13), dbSNP rs769479614, ClinGen allele CA406980990.

ClinVar aggregate classification (germline): Uncertain significance. Review status: criteria provided, multiple submitters, no conflicts (2 of 4 stars). 2 submissions from 2 submitters: Uncertain significance (2). Last evaluated 2024-07-16.

Conditions:
Hereditary cancer-predisposing syndrome. Also called: Hereditary neoplastic syndrome; Tumor predisposition; Hereditary Cancer Syndrome; Neoplastic Syndromes, Hereditary. Identifiers: Orphanet 140162, MedGen C0027672, MeSH D009386, MONDO:0015356.
POLD1-related polyposis and colorectal cancer syndrome (CRCS10). Also called: Colorectal cancer, susceptibility to, 10; Colorectal cancer 10; COLORECTAL CANCER, SUSCEPTIBILITY TO, ON CHROMOSOME 19q. Identifiers: Orphanet 220460, MedGen C2675481, MONDO:0012953, OMIM 612591.

Allele frequency attached by ClinVar (database versions not stated): TOPMed below 0.00001; gnomAD 0.00001.
gnomAD v4.1: 5 of 1,613,434 alleles (0.00031%); highest among the groups gnomAD compares: Admixed American, 0.0017%; no homozygotes.

Submissions (2):

Labcorp Genetics (formerly Invitae), Labcorp
Classification: Uncertain significance for POLD1-related polyposis and colorectal cancer syndrome. Last evaluated: 2024-07-16. Review status: criteria provided, single submitter. Criteria: Invitae Variant Classification Sherloc (09022015). Collection method: clinical testing. Allele origin: germline.
Comment: This sequence change replaces valine, which is neutral and non-polar, with methionine, which is neutral and non-polar, at codon 541 of the POLD1 protein (p.Val541Met). This variant is present in population databases (no rsID available, gnomAD 0.003%). This variant has not been reported in the literature in individuals affected with POLD1-related conditions. ClinVar contains an entry for this variant (Variation ID: 660847). Advanced modeling of protein sequence and biophysical properties (such as structural, functional, and spatial information, amino acid conservation, physicochemical variation, residue mobility, and thermodynamic stability) performed at Invitae indicates that this missense variant is expected to disrupt POLD1 protein function with a positive predictive value of 80%. In summary, the available evidence is currently insufficient to determine the role of this variant in disease. Therefore, it has been classified as a Variant of Uncertain Significance.

Ambry Genetics
Classification: Uncertain significance for Hereditary cancer-predisposing syndrome. Last evaluated: 2023-08-26. Review status: criteria provided, single submitter. Criteria: Ambry Variant Classification Scheme 2023. Collection method: clinical testing. Allele origin: germline.
Comment: The p.V541M variant (also known as c.1621G>A), located in coding exon 12 of the POLD1 gene, results from a G to A substitution at nucleotide position 1621. The valine at codon 541 is replaced by methionine, an amino acid with highly similar properties. This amino acid position is highly conserved in available vertebrate species. In addition, the in silico prediction for this alteration is inconclusive. Since supporting evidence is limited at this time, the clinical significance of this alteration remains unclear.